The following is an entry in ClinVar:

ClinVar aggregate classification (germline): Uncertain significance (1 of 4 stars; one submission).

Conditions:
Multiple sulfatase deficiency (MSD). Also called: Mucosulfatidosis; Multiple Sulfatase Deficiency Disease; Sulfatidosis, Juvenile, Austin Type. Identifiers: Orphanet 585, MedGen C0268263, MONDO:0010088, OMIM 272200.

Submission:

Labcorp Genetics (formerly Invitae), Labcorp
Classification: Uncertain significance for Multiple sulfatase deficiency. Last evaluated: 2022-07-25. Review status: criteria provided, single submitter. Criteria: Invitae Variant Classification Sherloc (09022015). Collection method: clinical testing. Allele origin: germline.
Comment: This variant has not been reported in the literature in individuals affected with SUMF1-related conditions. In summary, the available evidence is currently insufficient to determine the role of this variant in disease. Therefore, it has been classified as a Variant of Uncertain Significance. Algorithms developed to predict the effect of missense changes on protein structure and function output the following: SIFT: "Tolerated"; PolyPhen-2: "Benign"; Align-GVGD: "Class C0". The glutamine amino acid residue is found in multiple mammalian species, which suggests that this missense change does not adversely affect protein function. This variant is not present in population databases (gnomAD no frequency). This sequence change replaces histidine, which is basic and polar, with glutamine, which is neutral and polar, at codon 240 of the SUMF1 protein (p.His240Gln).

NM_182760.4(SUMF1):c.720T>G (p.His240Gln)

Gene: SUMF1 (sulfatase modifying factor 1; minus strand). Cytogenetic location: 3p26.1.
Variant type: single nucleotide variant.
Coding change: c.720T>G on transcript NM_182760.4 (MANE Select); coding-DNA position 720, T replaced by G.
Protein change: p.His240Gln; replaces histidine 240 with glutamine.
Molecular consequence: missense variant.
Genome position (GRCh38, 1-based): chr3:4,418,015, A>C on the plus strand (T>G on the coding strand, the complement: SUMF1 is on the minus strand). VCF-style: chr3-4418015-A-C. GRCh37 (hg19) VCF-style: chr3-4459699-A-C.
Other names: c.645T>G, p.His215Gln (NM_001164674.2); c.720T>G, p.His240Gln (NM_001164675.2); short protein forms H240Q, H215Q.
Identifiers: ClinVar variation 2012451 (VCV002012451.4), dbSNP rs2469857876, ClinGen allele CA351632386.